The following is an entry in ClinVar:

NM_001009999.3(KDM1A):c.36_53del (p.Ala13_Ala18del)

Gene: KDM1A (lysine demethylase 1A; plus strand). Cytogenetic location: 1p36.12.
Variant type: Deletion.
Coding change: c.36_53del on transcript NM_001009999.3 (MANE Select); coding-DNA positions 36 to 53, 18 bases deleted (GGCGGCTGCAGCGGCAGC).
Protein change: p.Ala13_Ala18del.
Molecular consequence: inframe deletion.
Genome position (GRCh38, 1-based): chr1:23,019,632-23,019,649, GGCGGCTGCAGCGGCAGC deleted; deleting any 18 consecutive bases within chr1:23,019,630-23,019,649 gives the same sequence; the c. name uses the placement nearest the transcript's 3' end. VCF-style (leftmost placement, unchanged base first): chr1-23019629-GGCGGCGGCTGCAGCGGCA-G. GRCh37 (hg19) VCF-style: chr1-23346122-GGCGGCGGCTGCAGCGGCA-G.
Other names: c.36_53del, p.Ala13_Ala18del (NM_001363654.2, NM_001410762.1, NM_001410763.1 and 1 more transcripts).
Identifiers: ClinVar variation 4714329 (VCV004714329.1).

ClinVar aggregate classification (germline): Uncertain significance (1 of 4 stars; one submission).

Submission:

Labcorp Genetics (formerly Invitae), Labcorp
Classification: Uncertain significance. Last evaluated: 2025-12-07. Review status: criteria provided, single submitter. Criteria: Invitae Variant Classification Sherloc (09022015). Collection method: clinical testing. Allele origin: germline.
Comment: This variant, c.36_53del, results in the deletion of 6 amino acid(s) of the KDM1A protein (p.Ala13_Ala18del), but otherwise preserves the integrity of the reading frame. This variant is not present in population databases (gnomAD no frequency). This variant has not been reported in the literature in individuals affected with KDM1A-related conditions. Experimental studies and prediction algorithms are not available or were not evaluated, and the functional significance of this variant is currently unknown. In summary, the available evidence is currently insufficient to determine the role of this variant in disease. Therefore, it has been classified as a Variant of Uncertain Significance.